The following is an entry in ClinVar:

ClinVar aggregate classification (germline): Conflicting classifications of pathogenicity. Review status: criteria provided, conflicting classifications (1 of 4 stars). 2 submissions from 2 submitters: Uncertain significance (1); Likely benign (1). Last evaluated 2025-09-14.

Conditions:
Tuberous sclerosis syndrome (TSC). Also called: Tuberous sclerosis; Tuberous Sclerosis Complex. Identifiers: Orphanet 805, MedGen C0041341, MONDO:0001734.
Tuberous sclerosis 2 (TSC2). Identifiers: Orphanet 805, MedGen C1860707, MONDO:0013199, OMIM 613254.

Submissions (2):

Color Diagnostics, LLC DBA Color Health
Classification: Likely benign for Tuberous sclerosis syndrome. Last evaluated: 2025-09-14. Review status: criteria provided, single submitter. Criteria: ACMG Guidelines, 2015. Collection method: clinical testing. Allele origin: germline.

Labcorp Genetics (formerly Invitae), Labcorp
Classification: Uncertain significance for Tuberous sclerosis 2. Last evaluated: 2022-06-14. Review status: criteria provided, single submitter. Criteria: Invitae Variant Classification Sherloc (09022015). Collection method: clinical testing. Allele origin: germline.
Comment: In summary, the available evidence is currently insufficient to determine the role of this variant in disease. Therefore, it has been classified as a Variant of Uncertain Significance. Algorithms developed to predict the effect of sequence changes on RNA splicing suggest that this variant may disrupt the consensus splice site. This variant has not been reported in the literature in individuals affected with TSC2-related conditions. This variant is not present in population databases (gnomAD no frequency). This sequence change falls in intron 37 of the TSC2 gene. It does not directly change the encoded amino acid sequence of the TSC2 protein.

NM_000548.5(TSC2):c.4850-11C>T

Gene: TSC2 (TSC complex subunit 2; plus strand). Cytogenetic location: 16p13.3.
Variant type: single nucleotide variant.
Coding change: c.4850-11C>T on transcript NM_000548.5 (MANE Select); 11 bases into the intron before coding-DNA position 4850, C replaced by T.
Molecular consequence: intron variant.
Genome position (GRCh38, 1-based): chr16:2,086,721, C>T. VCF-style: chr16-2086721-C-T. GRCh37 (hg19) VCF-style: chr16-2136722-C-T.
Other names: c.4781-11C>T (NM_001114382.3); c.4721-11C>T (NM_021055.3, NM_001370405.1); c.4652-11C>T (NM_001363528.2); c.4718-11C>T (NM_001370404.1); c.4649-11C>T (NM_001077183.3); c.4541-11C>T (NM_001318827.2); c.4118-11C>T (NM_001318831.2); c.4505-11C>T (NM_001318829.2); and 1 more.
Identifiers: ClinVar variation 2006366 (VCV002006366.5), dbSNP rs548115101, ClinGen allele CA276756743.